The following is an entry in ClinVar:

ClinVar aggregate classification (germline): Likely benign. Review status: criteria provided, single submitter (1 of 4 stars). 3 submissions from 3 submitters: Likely benign (1). 2 of the submissions do not count toward it. Last evaluated 2026-01-22.

Conditions:
PCDH15-related disorder. Also called: PCDH15-related disorders; PCDH15-related condition.
Usher syndrome type 1F (USH1F). Also called: USHER SYNDROME, TYPE IF. Identifiers: Orphanet 231169, Orphanet 886, MedGen C1865885, MONDO:0011186, OMIM 602083.

Allele frequency attached by ClinVar (database versions not stated): ExAC 0.00006; gnomAD 0.00029 and 0.00031; TOPMed 0.00066; gnomAD exomes 0.00006; 1000 Genomes Project 30x 0.00047; 1000 Genomes Project 0.00040.
gnomAD v4.1: 73 of 1,547,986 alleles (0.0047%); highest among the groups gnomAD compares: Admixed American, 0.054%; no homozygotes.

Submissions (3):

Labcorp Genetics (formerly Invitae), Labcorp
Classification: Likely benign. Last evaluated: 2026-01-22. Review status: criteria provided, single submitter. Criteria: Invitae Variant Classification Sherloc (09022015). Collection method: clinical testing. Allele origin: germline.

Natera, Inc.
Classification: Uncertain significance for Usher syndrome type 1F. Last evaluated: 2020-02-03. Review status: no assertion criteria provided. Collection method: clinical testing. Allele origin: germline. Not counted in ClinVar's aggregate classification.

PreventionGenetics, part of Exact Sciences
Classification: Likely benign for PCDH15-related condition. Last evaluated: 2019-09-11. Review status: no assertion criteria provided. Collection method: clinical testing. Allele origin: germline. Not counted in ClinVar's aggregate classification.
Comment: This variant is classified as likely benign based on ACMG/AMP sequence variant interpretation guidelines (Richards et al. 2015 PMID: 25741868, with internal and published modifications).

NM_001384140.1(PCDH15):c.4203-8C>G

Gene: PCDH15 (protocadherin related 15; minus strand). Cytogenetic location: 10q21.1.
Variant type: single nucleotide variant.
Coding change: c.4203-8C>G on transcript NM_001384140.1 (MANE Select); 8 bases into the intron before coding-DNA position 4203, C replaced by G.
Molecular consequence: intron variant.
Genome position (GRCh38, 1-based): chr10:53,828,581, G>C on the plus strand (C>G on the coding strand, the complement: PCDH15 is on the minus strand). VCF-style: chr10-53828581-G-C. GRCh37 (hg19) VCF-style: chr10-55588341-G-C.
Other names: c.4203-8C>G (NM_001354420.2, NM_001354429.2, NM_001142772.2 and 3 more transcripts); c.4218-8C>G (NM_001142771.2, NM_001142763.2); c.4224-8C>G (NM_001354411.2); c.4239-8C>G (NM_001142769.3); c.4137-8C>G (NM_001354404.2, NM_001142768.2); c.4137-1033C>G (NM_001142773.2); c.4092-1033C>G (NM_001142767.2); c.3990-8C>G (NM_001142765.2); and 1 more.
Identifiers: ClinVar variation 853276 (VCV000853276.9), dbSNP rs200840022, ClinGen allele CA5505423.